The following is an entry in ClinVar:

NM_006514.4(SCN10A):c.5774C>T (p.Thr1925Ile)

Gene: SCN10A (sodium voltage-gated channel alpha subunit 10; minus strand). Cytogenetic location: 3p22.2.
Variant type: single nucleotide variant.
Coding change: c.5774C>T on transcript NM_006514.4 (MANE Select); coding-DNA position 5774, C replaced by T.
Protein change: p.Thr1925Ile; replaces threonine 1925 with isoleucine.
Molecular consequence: missense variant.
Genome position (GRCh38, 1-based): chr3:38,697,446, G>A on the plus strand (C>T on the coding strand, the complement: SCN10A is on the minus strand). VCF-style: chr3-38697446-G-A. GRCh37 (hg19) VCF-style: chr3-38738937-G-A.
Other names: c.5771C>T, p.Thr1924Ile (NM_001293306.2); c.5480C>T, p.Thr1827Ile (NM_001293307.2); short protein forms T1924I, T1827I, T1925I.
Identifiers: ClinVar variation 1749569 (VCV001749569.2), dbSNP rs2063101667, ClinGen allele CA352152381.

ClinVar aggregate classification (germline): Uncertain significance (1 of 4 stars; one submission).

Conditions:
Cardiovascular phenotype. Identifiers: MedGen CN230736.

Allele frequency attached by ClinVar (database versions not stated): gnomAD 0.00001.
gnomAD v4.1: 1 of 1,614,090 alleles (0.000062%); highest among the groups gnomAD compares: Non-Finnish European, 0.000085%; no homozygotes.

Submission:

Ambry Genetics
Classification: Uncertain significance for Cardiovascular phenotype. Last evaluated: 2021-10-29. Review status: criteria provided, single submitter. Criteria: Ambry Variant Classification Scheme 2023. Collection method: clinical testing. Allele origin: germline.
Comment: The p.T1925I variant (also known as c.5774C>T), located in coding exon 27 of the SCN10A gene, results from a C to T substitution at nucleotide position 5774. The threonine at codon 1925 is replaced by isoleucine, an amino acid with similar properties. This amino acid position is conserved. In addition, this alteration is predicted to be deleterious by in silico analysis. Since supporting evidence is limited at this time, the clinical significance of this alteration remains unclear.